The following is an entry in ClinVar:

NM_014208.3(DSPP):c.3638G>A (p.Ser1213Asn)

Genes: DMP1-AS1 (DMP1 and DSPP antisense RNA 1; minus strand), DSPP (dentin sialophosphoprotein; plus strand). Cytogenetic location: 4q22.1.
Variant type: single nucleotide variant.
Coding change: c.3638G>A on transcript NM_014208.3 (MANE Select); coding-DNA position 3638, G replaced by A.
Protein change: p.Ser1213Asn; replaces serine 1213 with asparagine.
Molecular consequence: missense variant.
Genome position (GRCh38, 1-based): chr4:87,616,300, G>A. VCF-style: chr4-87616300-G-A. GRCh37 (hg19) VCF-style: chr4-88537452-G-A.
Other names: short protein forms S1213N.
Identifiers: ClinVar variation 3273912 (VCV003273912.2).

ClinVar aggregate classification (germline): Uncertain significance. Review status: criteria provided, multiple submitters, no conflicts (2 of 4 stars). 2 submissions from 2 submitters: Uncertain significance (2). Last evaluated 2024-07-30.

Conditions:
Inborn genetic diseases. Identifiers: MedGen C0950123, MeSH D030342.

gnomAD v4.1: 1 of 1,362,282 alleles (0.000073%); highest among the groups gnomAD compares: Non-Finnish European, 0.000099%; no homozygotes.

Submissions (2):

Women's Health and Genetics/Laboratory Corporation of America, LabCorp
Classification: Uncertain significance. Last evaluated: 2024-07-30. Review status: criteria provided, single submitter. Criteria: LabCorp Variant Classification Summary - May 2015. Collection method: clinical testing. Allele origin: germline.
Comment: Variant summary: DSPP c.3638G>A (p.Ser1213Asn) results in a conservative amino acid change in the encoded protein sequence. Four of five in-silico tools predict a benign effect of the variant on protein function. The variant allele was found at a frequency of 7.3e-07 in 1362282 control chromosomes (gnomAD database v4). The available data on variant occurrences in the general population are insufficient to allow any conclusion about variant significance. To our knowledge, no occurrence of c.3638G>A in individuals affected with Dentinogenesis Imperfecta Type 2 and no experimental evidence demonstrating its impact on protein function have been reported. No submitters have cited clinical-significance assessments for this variant to ClinVar. Based on the evidence outlined above, the variant was classified as uncertain significance.

Ambry Genetics
Classification: Uncertain significance for Inborn genetic diseases. Last evaluated: 2024-04-17. Review status: criteria provided, single submitter. Criteria: Ambry Variant Classification Scheme 2023. Collection method: clinical testing. Allele origin: germline.